The following is an entry in ClinVar:

NC_000005.9:g.(?_87776690)_(88119605_?)del

Genes: MEF2C (myocyte enhancer factor 2C; minus strand), MIR9-2 (microRNA 9-2; minus strand). Cytogenetic location: 5q14.3.
Variant type: Deletion.
Identifiers: ClinVar variation 1070269 (VCV001070269.1).

ClinVar aggregate classification (germline): Pathogenic (1 of 4 stars; one submission).

Conditions:
Neurodevelopmental disorder with hypotonia, stereotypic hand movements, and impaired language. Also called: Intellectual disability, autosomal dominant 20. Identifiers: Orphanet 228384, Orphanet 664410, MedGen C3150700, MONDO:0013266, OMIM 613443.

Submission:

Labcorp Genetics (formerly Invitae), Labcorp
Classification: Pathogenic for Neurodevelopmental disorder with hypotonia, stereotypic hand movements, and impaired language. Last evaluated: 2020-05-14. Review status: criteria provided, single submitter. Criteria: Invitae Variant Classification Sherloc (09022015). Collection method: clinical testing. Allele origin: germline.
Comment: A gross deletion of the genomic region encompassing the full coding sequence of the MEF2C gene has been identified. The boundaries of this event are unknown as the deletion extends beyond the assayed region for this gene and therefore may encompass additional genes. This variant has been observed to be de novo in individual with features consistent of MEF2C-related condition (PMID: 27748065). Loss-of-function variants in MEF2C are known to be pathogenic (PMID: 20513142). For these reasons, this variant has been classified as Pathogenic.

Literature cited by the submitters: PubMed 27748065; PubMed 20513142.